The following is an entry in ClinVar:

ClinVar aggregate classification (germline): Uncertain significance (1 of 4 stars; one submission).

Submission:

Labcorp Genetics (formerly Invitae), Labcorp
Classification: Uncertain significance. Last evaluated: 2021-01-30. Review status: criteria provided, single submitter. Criteria: Invitae Variant Classification Sherloc (09022015). Collection method: clinical testing. Allele origin: germline.
Comment: In summary, the available evidence is currently insufficient to determine the role of this variant in disease. Therefore, it has been classified as a Variant of Uncertain Significance. Algorithms developed to predict the effect of missense changes on protein structure and function (SIFT, PolyPhen-2, Align-GVGD) all suggest that this variant is likely to be tolerated, but these predictions have not been confirmed by published functional studies and their clinical significance is uncertain. This variant has not been reported in the literature in individuals with ANGPT1-related conditions. This variant is not present in population databases (ExAC no frequency). This sequence change replaces serine with threonine at codon 57 of the ANGPT1 protein (p.Ser57Thr). The serine residue is weakly conserved and there is a small physicochemical difference between serine and threonine.

NM_001146.5(ANGPT1):c.170G>C (p.Ser57Thr)

Gene: ANGPT1 (angiopoietin 1; minus strand). Cytogenetic location: 8q23.1.
Variant type: single nucleotide variant.
Coding change: c.170G>C on transcript NM_001146.5 (MANE Select); coding-DNA position 170, G replaced by C.
Protein change: p.Ser57Thr; replaces serine 57 with threonine.
Molecular consequence: missense variant.
Genome position (GRCh38, 1-based): chr8:107,497,389, C>G on the plus strand (G>C on the coding strand, the complement: ANGPT1 is on the minus strand). VCF-style: chr8-107497389-C-G. GRCh37 (hg19) VCF-style: chr8-108509617-C-G.
Other names: c.170G>C, p.Ser57Thr (NM_001199859.3); short protein forms S57T.
Identifiers: ClinVar variation 1505781 (VCV001505781.8), dbSNP rs2130553798, ClinGen allele CA372035374.
Genomic context (GRCh38, chr8:107,497,389, plus strand): 5'-TCCGGTTCCACGTGTGGAGCATCTCTCTGCAGAGCGTTTGTGTTGTACTGGTCTGTCGTA[C>G]TCTCACGACAGTTGCCATCGTGTTCTGGAAGAATGAAAGTGTAGGCACATTGCCCATGTT-3'
Protein context (NP_001137.2, residues 47-67): LPEHDGNCRE[Ser57Thr]TTDQYNTNAL